The following is an entry in ClinVar:

NM_001100.4(ACTA1):c.430C>T (p.Leu144Phe)

Gene: ACTA1 (actin alpha 1, skeletal muscle; minus strand). Cytogenetic location: 1q42.13.
Variant type: single nucleotide variant.
Coding change: c.430C>T on transcript NM_001100.4 (MANE Select); coding-DNA position 430, C replaced by T.
Protein change: p.Leu144Phe; replaces leucine 144 with phenylalanine.
Molecular consequence: missense variant.
Genome position (GRCh38, 1-based): chr1:229,432,580, G>A on the plus strand (C>T on the coding strand, the complement: ACTA1 is on the minus strand). VCF-style: chr1-229432580-G-A. GRCh37 (hg19) VCF-style: chr1-229568327-G-A.
Other names: short protein forms L144F.
Identifiers: ClinVar variation 265457 (VCV000265457.12), dbSNP rs886039557, ClinGen allele CA10588284.

ClinVar aggregate classification (germline): Pathogenic/Likely pathogenic. Review status: criteria provided, multiple submitters, no conflicts (2 of 4 stars). 2 submissions from 2 submitters: Pathogenic (1); Likely pathogenic (1). Last evaluated 2023-02-25.

Conditions:
Actin accumulation myopathy (CMYO2A). Also called: CONGENITAL MYOPATHY 2A, TYPICAL, AUTOSOMAL DOMINANT; Nemaline myopathy type 3; Myopathy, actin, congenital, with excess of thin myofilaments; Myopathy, actin, congenital, with cores; Nemaline myopathy 3, with intranuclear rods. Identifiers: Orphanet 98904, MedGen C3711389, MONDO:0008070, OMIM 161800.

Submissions (2):

GeneDx
Classification: Pathogenic. Last evaluated: 2023-02-25. Review status: criteria provided, single submitter. Criteria: GeneDx Variant Classification Process June 2021. Collection method: clinical testing. Allele origin: germline. Affected: yes.
Comment: Not observed at significant frequency in large population cohorts (gnomAD); In silico analysis supports that this missense variant has a deleterious effect on protein structure/function; Missense variants in this gene are often considered pathogenic (HGMD); This variant is associated with the following publications: (PMID: 21514153, 23102861, 19553121)

Labcorp Genetics (formerly Invitae), Labcorp
Classification: Likely pathogenic for Actin accumulation myopathy. Last evaluated: 2020-02-15. Review status: criteria provided, single submitter. Criteria: Invitae Variant Classification Sherloc (09022015). Collection method: clinical testing. Allele origin: germline.
Comment: This variant has been observed in several individuals affected with nemaline myopathy and was observed de novo in at least one individual (PMID: 19553121, 23102861). ClinVar contains an entry for this variant (Variation ID: 265457). In summary, the currently available evidence indicates that the variant is pathogenic, but additional data are needed to prove that conclusively. Therefore, this variant has been classified as Likely Pathogenic. Algorithms developed to predict the effect of missense changes on protein structure and function are either unavailable or do not agree on the potential impact of this missense change (SIFT: "Deleterious"; PolyPhen-2: "Benign"; Align-GVGD: "Class C15"). This variant is not present in population databases (ExAC no frequency). This sequence change replaces leucine with phenylalanine at codon 144 of the ACTA1 protein (p.Leu144Phe). The leucine residue is highly conserved and there is a small physicochemical difference between leucine and phenylalanine.

Literature cited by the submitters: PubMed 19553121 (cited by Labcorp Genetics (formerly Invitae), Labcorp); PubMed 23102861 (cited by Labcorp Genetics (formerly Invitae), Labcorp).